The following is an entry in ClinVar:

NM_001376.5(DYNC1H1):c.1003C>G (p.Leu335Val)

Gene: DYNC1H1 (dynein cytoplasmic 1 heavy chain 1; plus strand). Cytogenetic location: 14q32.31.
Variant type: single nucleotide variant.
Coding change: c.1003C>G on transcript NM_001376.5 (MANE Select); coding-DNA position 1003, C replaced by G.
Protein change: p.Leu335Val; replaces leucine 335 with valine.
Molecular consequence: missense variant.
Genome position (GRCh38, 1-based): chr14:101,983,060, C>G. VCF-style: chr14-101983060-C-G. GRCh37 (hg19) VCF-style: chr14-102449397-C-G.
Other names: short protein forms L335V.
Identifiers: ClinVar variation 3679730 (VCV003679730.2).
Genomic context (GRCh38, chr14:101,983,060, plus strand): 5'-TCTTTCTCTGTTAATATAGGTCTAAAACAGGCTTTGGAAACTGTGAATGACTACAATCCT[C>G]TGATGAAAGATTTCCCTCTGAATGATTTGCTGTCTGCCACGGAGCTGGACAAAATAAGAC-3'
Protein context (NP_001367.2, residues 325-345): ALETVNDYNP[Leu335Val]MKDFPLNDLL

ClinVar aggregate classification (germline): Uncertain significance (1 of 4 stars; one submission).

Conditions:
Charcot-Marie-Tooth disease axonal type 2O. Also called: CHARCOT-MARIE-TOOTH NEUROPATHY, AXONAL, TYPE 2O; CHARCOT-MARIE-TOOTH DISEASE, AXONAL, AUTOSOMAL DOMINANT, TYPE 2O; Charcot-Marie-Tooth Neuropathy Type 2O; Charcot-Marie-Tooth disease, axonal, type 20. Identifiers: Orphanet 284232, MedGen C3280220, MONDO:0013644, OMIM 614228.

Submission:

Labcorp Genetics (formerly Invitae), Labcorp
Classification: Uncertain significance for Charcot-Marie-Tooth disease axonal type 2O. Last evaluated: 2024-08-11. Review status: criteria provided, single submitter. Criteria: Invitae Variant Classification Sherloc (09022015). Collection method: clinical testing. Allele origin: germline.
Comment: This sequence change replaces leucine, which is neutral and non-polar, with valine, which is neutral and non-polar, at codon 335 of the DYNC1H1 protein (p.Leu335Val). This variant is not present in population databases (gnomAD no frequency). This variant has not been reported in the literature in individuals affected with DYNC1H1-related conditions. Advanced modeling of protein sequence and biophysical properties (such as structural, functional, and spatial information, amino acid conservation, physicochemical variation, residue mobility, and thermodynamic stability) performed at Invitae indicates that this missense variant is expected to disrupt DYNC1H1 protein function with a positive predictive value of 95%. In summary, the available evidence is currently insufficient to determine the role of this variant in disease. Therefore, it has been classified as a Variant of Uncertain Significance.